The following is an entry in ClinVar:

NM_017654.4(SAMD9):c.148A>G (p.Lys50Glu)

Gene: SAMD9 (sterile alpha motif domain containing 9; minus strand). Cytogenetic location: 7q21.2.
Variant type: single nucleotide variant.
Coding change: c.148A>G on transcript NM_017654.4 (MANE Select); coding-DNA position 148, A replaced by G.
Protein change: p.Lys50Glu; replaces lysine 50 with glutamic acid.
Molecular consequence: missense variant.
Genome position (GRCh38, 1-based): chr7:93,105,950, T>C on the plus strand (A>G on the coding strand, the complement: SAMD9 is on the minus strand). VCF-style: chr7-93105950-T-C. GRCh37 (hg19) VCF-style: chr7-92735263-T-C.
Other names: c.148A>G, p.Lys50Glu (NM_001193307.2); short protein forms K50E.
Identifiers: ClinVar variation 4824704 (VCV004824704.1).

ClinVar aggregate classification (germline): Uncertain significance (1 of 4 stars; one submission).

Conditions:
Inborn genetic diseases. Identifiers: MedGen C0950123, MeSH D030342.

Submission:

Ambry Genetics
Classification: Uncertain significance for Inborn genetic diseases. Last evaluated: 2026-02-16. Review status: criteria provided, single submitter. Criteria: Ambry Variant Classification Scheme 2023. Collection method: clinical testing. Allele origin: germline.
Comment: The p.K50E variant (also known as c.148A>G), located in coding exon 1 of the SAMD9 gene, results from an A to G substitution at nucleotide position 148. The lysine at codon 50 is replaced by glutamic acid, an amino acid with similar properties. This amino acid position is conserved. In addition, this alteration is predicted to be tolerated by in silico analysis. Based on the available evidence, the clinical significance of this variant remains unclear.